The following is an entry in ClinVar:

NM_001365088.1(SLC12A6):c.918C>T (p.Asp306=)

Gene: SLC12A6 (solute carrier family 12 member 6; minus strand). Cytogenetic location: 15q14.
Variant type: single nucleotide variant.
Coding change: c.918C>T on transcript NM_001365088.1 (MANE Select); coding-DNA position 918, C replaced by T.
Protein change: p.Asp306=; no amino-acid change (aspartic acid 306 retained).
Molecular consequence: synonymous variant.
Genome position (GRCh38, 1-based): chr15:34,254,548, G>A on the plus strand (C>T on the coding strand, the complement: SLC12A6 is on the minus strand). VCF-style: chr15-34254548-G-A. GRCh37 (hg19) VCF-style: chr15-34546749-G-A.
Other names: c.741C>T, p.Asp247= (NM_001042494.2, NM_001042495.2); c.891C>T, p.Asp297= (NM_001042496.2); c.873C>T, p.Asp291= (NM_001042497.2); c.765C>T, p.Asp255= (NM_005135.2); c.918C>T, p.Asp306= (NM_133647.2).
Identifiers: ClinVar variation 753800 (VCV000753800.31), dbSNP rs201041861, ClinGen allele CA7464443.

ClinVar aggregate classification (germline): Likely benign. Review status: criteria provided, multiple submitters, no conflicts (2 of 4 stars). 3 submissions from 3 submitters: Likely benign (2). 1 of the submissions does not count toward it. Last evaluated 2026-08-01.

Conditions:
Agenesis of the corpus callosum with peripheral neuropathy (ACCPN). Also called: CHARLEVOIX DISEASE; POLYNEUROPATHY, SENSORIMOTOR, WITH OR WITHOUT AGENESIS OF THE CORPUS CALLOSUM; HMSN/ACC; Hereditary Motor and Sensory Neuropathy with Agenesis of the Corpus Callosum. Identifiers: Orphanet 1496, MedGen C0795950, MONDO:0000902, OMIM 218000. Disease mechanism: loss of function.

Allele frequency attached by ClinVar (database versions not stated): ExAC 0.00026; 1000 Genomes Project 30x 0.00047; 1000 Genomes Project 0.00060; gnomAD 0.00006 and 0.00012; TOPMed 0.00009; gnomAD exomes 0.00023.
gnomAD v4.1: 258 of 1,608,756 alleles (0.016%); highest among the groups gnomAD compares: South Asian, 0.15%; 2 homozygotes.

Submissions (3):

CeGaT Center for Human Genetics Tuebingen
Classification: Likely benign. Last evaluated: 2026-08-01. Review status: criteria provided, single submitter. Criteria: CeGaT Center For Human Genetics Tuebingen Variant Classification Criteria Version 2. Collection method: clinical testing. Allele origin: germline. Affected: yes. Observed: 2 variant alleles.
Comment: SLC12A6: BP4, BP7

Labcorp Genetics (formerly Invitae), Labcorp
Classification: Likely benign. Last evaluated: 2026-01-31. Review status: criteria provided, single submitter. Criteria: Invitae Variant Classification Sherloc (09022015). Collection method: clinical testing. Allele origin: germline.

Natera, Inc.
Classification: Likely benign for Andermann syndrome. Last evaluated: 2020-04-18. Review status: no assertion criteria provided. Collection method: clinical testing. Allele origin: germline. Not counted in ClinVar's aggregate classification.